The following is an entry in ClinVar:

ClinVar aggregate classification (germline): Pathogenic. Review status: criteria provided, multiple submitters, no conflicts (2 of 4 stars). 4 submissions from 4 submitters: Pathogenic (4). Last evaluated 2023-07-14.

Conditions:
Hereditary cancer-predisposing syndrome. Also called: Tumor predisposition; Hereditary Cancer Syndrome; Hereditary neoplastic syndrome; Neoplastic Syndromes, Hereditary. Identifiers: Orphanet 140162, MedGen C0027672, MeSH D009386, MONDO:0015356.
Familial adenomatous polyposis 1 (FAP1). Also called: FAMILIAL ADENOMATOUS POLYPOSIS 1, ATTENUATED; POLYPOSIS, ADENOMATOUS INTESTINAL. Identifiers: MedGen C2713442, MONDO:0021056, OMIM 175100. Disease mechanism: loss of function.

Submissions (4):

Labcorp Genetics (formerly Invitae), Labcorp
Classification: Pathogenic for Familial adenomatous polyposis 1. Last evaluated: 2023-07-14. Review status: criteria provided, single submitter. Criteria: Invitae Variant Classification Sherloc (09022015). Collection method: clinical testing. Allele origin: germline.
Comment: This variant is not present in population databases (gnomAD no frequency). This sequence change creates a premature translational stop signal (p.Ile1055Argfs*3) in the APC gene. While this is not anticipated to result in nonsense mediated decay, it is expected to disrupt the last 1789 amino acid(s) of the APC protein. This premature translational stop signal has been observed in individual(s) with familial adenomatous polyposis (PMID: 1316610, 18433509, 19029688, 20223039, 20564245, 20685668). For these reasons, this variant has been classified as Pathogenic. A different truncation (p.Tyr2645Lysfs*14) that lies downstream of this variant has been determined to be pathogenic (PMID: 9824584, 1316610, 27081525, 8381579, 22135120, Invitae). This suggests that deletion of this region of the APC protein is causative of disease. This variant is expected to disrupt the EB1 and HDLG binding sites, which mediate interactions with the cytoskeleton (PMID: 15311282, 17293347). While functional studies have not been performed to directly test the effect on APC protein function, this suggests that disruption of the C-terminal portion of the protein is functionally important. ClinVar contains an entry for this variant (Variation ID: 486749).

Myriad Genetics, Inc.
Classification: Pathogenic for Familial adenomatous polyposis 1. Last evaluated: 2023-05-05. Review status: criteria provided, single submitter. Criteria: Myriad Autosomal Dominant, Autosomal Recessive and X-Linked Classification Criteria (2023). Collection method: clinical testing. Allele origin: unknown.
Comment: This variant is considered pathogenic. This variant creates a frameshift predicted to result in premature protein truncation.

Ambry Genetics
Classification: Pathogenic for Hereditary cancer-predisposing syndrome. Last evaluated: 2022-06-04. Review status: criteria provided, single submitter. Criteria: Ambry Variant Classification Scheme 2023. Collection method: clinical testing. Allele origin: germline.
Comment: The c.3164_3168delTAATA pathogenic mutation, located in coding exon 15 of the APC gene, results from a deletion of 5 nucleotides at nucleotide positions 3164 to 3168, causing a translational frameshift with a predicted alternate stop codon (p.I1055Rfs*3). This alteration has been reported multiple times in individuals with familial adenomatous polyposis (FAP) (Miyoshi et al. Proc. Natl. Acad. Sci. 1992 May; 89 (10)44452-6; Mandl et al. Hum. Mol. Genet. 1994 Jan; 3(1):181-4; Friedl et al. Hered. Cancer Clin. Pract. 2005; 3(3):95-114); Plawski et al. J. Appl. Genet. 2008; 49(4)407-14; Kanter-Smoler G et al. BMC Med, 2008 Apr;6:10; Lagarde A et al. J. Med. Genet., 2010 Oct;47:721-2; Miclea RL et al. J. Bone Miner. Res., 2010 Dec;25:2624-32). In addition to the clinical data presented in the literature, this alteration is expected to result in loss of function by premature protein truncation or nonsense-mediated mRNA decay. As such, this alteration is interpreted as a disease-causing mutation.

Quest Diagnostics Nichols Institute San Juan Capistrano
Classification: Pathogenic. Last evaluated: 2018-07-31. Review status: criteria provided, single submitter. Criteria: Quest Diagnostics criteria. Collection method: clinical testing. Allele origin: germline.

Literature cited by the submitters: PubMed 1316610 (cited by Labcorp Genetics (formerly Invitae), Labcorp); PubMed 18433509 (cited by Labcorp Genetics (formerly Invitae), Labcorp and Ambry Genetics); PubMed 19029688 (cited by Labcorp Genetics (formerly Invitae), Labcorp); PubMed 20223039 (cited by Labcorp Genetics (formerly Invitae), Labcorp); PubMed 20564245 (cited by Labcorp Genetics (formerly Invitae), Labcorp and Ambry Genetics); PubMed 20685668 (cited by Labcorp Genetics (formerly Invitae), Labcorp and Ambry Genetics); PubMed 9824584 (cited by Labcorp Genetics (formerly Invitae), Labcorp); PubMed 27081525 (cited by Labcorp Genetics (formerly Invitae), Labcorp); PubMed 8381579 (cited by Labcorp Genetics (formerly Invitae), Labcorp); PubMed 22135120 (cited by Labcorp Genetics (formerly Invitae), Labcorp); PubMed 15311282 (cited by Labcorp Genetics (formerly Invitae), Labcorp); PubMed 17293347 (cited by Labcorp Genetics (formerly Invitae), Labcorp).

NM_000038.6(APC):c.3164_3168del (p.Ile1055fs)

Gene: APC (APC regulator of Wnt signaling pathway; plus strand). Cytogenetic location: 5q22.2.
Variant type: Deletion.
Coding change: c.3164_3168del on transcript NM_000038.6 (MANE Select); coding-DNA positions 3164 to 3168, 5 bases deleted (TAATA; older notation c.3164_3168delTAATA).
Protein change: p.Ile1055fs; shifts the reading frame from isoleucine 1055.
Molecular consequence: frameshift variant.
Genome position (GRCh38, 1-based): chr5:112,838,758-112,838,762, TAATA deleted; deleting any 5 consecutive bases within chr5:112,838,757-112,838,762 gives the same sequence; the c. name uses the placement nearest the transcript's 3' end. VCF-style (leftmost placement, unchanged base first): chr5-112838756-CATAAT-C. GRCh37 (hg19) VCF-style: chr5-112174453-CATAAT-C.
Other names: c.3164_3168del, p.Ile1055fs (NM_001127510.3, NM_001354895.2); c.3110_3114del, p.Ile1037fs (NM_001127511.3); c.3218_3222del, p.Ile1073fs (NM_001354896.2); c.3194_3198del, p.Ile1065fs (NM_001354897.2); c.3089_3093del, p.Ile1030fs (NM_001354898.2); c.3080_3084del, p.Ile1027fs (NM_001354899.2); c.3041_3045del, p.Ile1014fs (NM_001354900.2); c.2987_2991del, p.Ile996fs (NM_001354901.2); and 5 more; short protein forms I1027fs, I895fs, I1014fs, I1055fs, I772fs, I954fs, I1030fs, I1037fs.
Identifiers: ClinVar variation 486749 (VCV000486749.16), dbSNP rs1554084772, ClinGen allele CA645543555.
Genomic context (GRCh38, chr5:112,838,756, plus strand): 5'-GCAGTTGAACTCTGGAAGGCAAAGTCCTTCACAGAATGAAAGATGGGCAAGACCCAAACA[CATAAT>C]AGAAGATGAAATAAAACAAAGTGAGCAAAGACAATCAAGGAATCAAAGTACAACTTATCC-3'